The following is an entry in ClinVar:

ClinVar aggregate classification (germline): Likely benign. Review status: criteria provided, multiple submitters, no conflicts (2 of 4 stars). 3 submissions from 3 submitters: Likely benign (3). Last evaluated 2025-12-17.

Conditions:
Catecholaminergic polymorphic ventricular tachycardia 1. Also called: RYR2-Related Catecholaminergic Polymorphic Ventricular Tachycardia; VENTRICULAR TACHYCARDIA, CATECHOLAMINERGIC POLYMORPHIC, 1, WITH OR WITHOUT ATRIAL DYSFUNCTION AND/OR DILATED CARDIOMYOPATHY; VENTRICULAR TACHYCARDIA, STRESS-INDUCED POLYMORPHIC 1. Identifiers: Orphanet 3286, MedGen C1631597, MONDO:0011484, OMIM 604772.
Cardiomyopathy (CMYO). Also called: Cardiomyopathies. Identifiers: Orphanet 167848, MedGen C0878544, MONDO:0004994, HP:0001638. Inheritance: Various modes of inheritance.
Catecholaminergic polymorphic ventricular tachycardia (CVPT). Also called: Catecholamine-induced polymorphic ventricular tachycardia. Identifiers: Orphanet 3286, MedGen C5574922, MONDO:0017990.

Allele frequency attached by ClinVar (database versions not stated): ExAC 0.00001; gnomAD 0.00001; gnomAD exomes 0.00001.
gnomAD v4.1: 6 of 1,613,728 alleles (0.00037%); highest among the groups gnomAD compares: Non-Finnish European, 0.00051%; no homozygotes.

Submissions (3):

Labcorp Genetics (formerly Invitae), Labcorp
Classification: Likely benign for Catecholaminergic polymorphic ventricular tachycardia 1. Last evaluated: 2025-12-17. Review status: criteria provided, single submitter. Criteria: Invitae Variant Classification Sherloc (09022015). Collection method: clinical testing. Allele origin: germline.

All of Us Research Program, National Institutes of Health
Classification: Likely benign for Catecholaminergic polymorphic ventricular tachycardia. Last evaluated: 2024-03-05. Review status: criteria provided, single submitter. Criteria: ACMG Guidelines, 2015. Collection method: clinical testing. Allele origin: germline. Inheritance: Autosomal dominant inheritance. Observed: 1 variant allele, 1 heterozygote.
Comment: This study involves interpretation of variants in research participants for the purpose of population health screening. Participant phenotype was not available at the time of variant classification. Additional details can be found in publication PMID: 35346344, PMCID: PMC8962531

Color Diagnostics, LLC DBA Color Health
Classification: Likely benign for Cardiomyopathy. Last evaluated: 2018-09-16. Review status: criteria provided, single submitter. Criteria: ACMG Guidelines, 2015. Collection method: clinical testing. Allele origin: germline.

NM_001035.3(RYR2):c.2454G>C (p.Gly818=)

Gene: RYR2 (ryanodine receptor 2; plus strand). Cytogenetic location: 1q43.
Variant type: single nucleotide variant.
Coding change: c.2454G>C on transcript NM_001035.3 (MANE Select); coding-DNA position 2454, G replaced by C.
Protein change: p.Gly818=; no amino-acid change (glycine 818 retained).
Molecular consequence: synonymous variant.
Genome position (GRCh38, 1-based): chr1:237,503,346, G>C. VCF-style: chr1-237503346-G-C. GRCh37 (hg19) VCF-style: chr1-237666646-G-C.
Other names: c.2454G>C, p.Gly818= (LRG_402t1).
Identifiers: ClinVar variation 629257 (VCV000629257.4), dbSNP rs769137517, ClinGen allele CA086054.